The following is an entry in ClinVar:

NM_000051.4(ATM):c.6844A>G (p.Asn2282Asp)

Genes: C11orf65 (chromosome 11 open reading frame 65; minus strand), ATM (ATM serine/threonine kinase; plus strand). Cytogenetic location: 11q22.3.
Variant type: single nucleotide variant.
Coding change: c.6844A>G on transcript NM_000051.4 (MANE Select); coding-DNA position 6844, A replaced by G.
Protein change: p.Asn2282Asp; replaces asparagine 2282 with aspartic acid.
Molecular consequence: missense variant. On other transcripts: intron variant (2).
Genome position (GRCh38, 1-based): chr11:108,326,094, A>G. VCF-style: chr11-108326094-A-G. GRCh37 (hg19) VCF-style: chr11-108196821-A-G.
Other names: c.6844A>G, p.Asn2282Asp (NM_001351834.2); c.641-17023T>C (NM_001330368.2); c.*38+9126T>C (NM_001351110.2); short protein forms N2282D.
Identifiers: ClinVar variation 489582 (VCV000489582.29), dbSNP rs951881516, ClinGen allele CA228412542.

ClinVar aggregate classification (germline): Conflicting classifications of pathogenicity. Review status: criteria provided, conflicting classifications (1 of 4 stars). 5 submissions from 5 submitters: Uncertain significance (3); Likely benign (1). 1 of the submissions does not count toward it. Last evaluated 2026-05-21.

Conditions:
Familial cancer of breast. Also called: Hereditary breast cancer; BREAST CANCER, FAMILIAL; hereditary breast carcinoma. Identifiers: Orphanet 227535, MedGen C0346153, MONDO:0016419, OMIM 114480. Disease mechanism: loss of function.
Ataxia-telangiectasia syndrome (AT). Also called: LOUIS-BAR SYNDROME; Cerebello-oculocutaneous telangiectasia; Immunodeficiency with ataxia telangiectasia; Ataxia-telangiectasia, complementation group D; AT, COMPLEMENTATION GROUP C; Ataxia-telangiectasia, complementation group E. Identifiers: Orphanet 100, MedGen C0004135, MONDO:0008840, OMIM 208900.
Hereditary cancer-predisposing syndrome. Also called: Neoplastic Syndromes, Hereditary; Hereditary Cancer Syndrome; Tumor predisposition; Hereditary neoplastic syndrome. Identifiers: Orphanet 140162, MedGen C0027672, MeSH D009386, MONDO:0015356.

Allele frequency attached by ClinVar (database versions not stated): gnomAD exomes below 0.00001.
gnomAD v4.1: 6 of 1,614,156 alleles (0.00037%); highest among the groups gnomAD compares: South Asian, 0.0022%; no homozygotes.

Submissions (5):

Ambry Genetics
Classification: Likely benign for Hereditary cancer-predisposing syndrome. Last evaluated: 2026-05-21. Review status: criteria provided, single submitter. Criteria: Ambry Variant Classification Scheme 2023. Collection method: clinical testing. Allele origin: germline.

Labcorp Genetics (formerly Invitae), Labcorp
Classification: Uncertain significance for Ataxia-telangiectasia syndrome. Last evaluated: 2025-04-11. Review status: criteria provided, single submitter. Criteria: Invitae Variant Classification Sherloc (09022015). Collection method: clinical testing. Allele origin: germline.
Comment: This sequence change replaces asparagine, which is neutral and polar, with aspartic acid, which is acidic and polar, at codon 2282 of the ATM protein (p.Asn2282Asp). This variant is present in population databases (no rsID available, gnomAD 0.003%). This variant has not been reported in the literature in individuals affected with ATM-related conditions. ClinVar contains an entry for this variant (Variation ID: 489582). Invitae Evidence Modeling of protein sequence and biophysical properties (such as structural, functional, and spatial information, amino acid conservation, physicochemical variation, residue mobility, and thermodynamic stability) indicates that this missense variant is not expected to disrupt ATM protein function with a negative predictive value of 95%. In summary, the available evidence is currently insufficient to determine the role of this variant in disease. Therefore, it has been classified as a Variant of Uncertain Significance.

Fulgent Genetics
Classification: Uncertain significance for Familial cancer of breast; Ataxia-telangiectasia syndrome. Last evaluated: 2024-04-22. Review status: criteria provided, single submitter. Criteria: ACMG Guidelines, 2015. Collection method: clinical testing. Allele origin: germline.

Color Diagnostics, LLC DBA Color Health
Classification: Uncertain significance for Hereditary cancer-predisposing syndrome. Last evaluated: 2024-03-06. Review status: criteria provided, single submitter. Criteria: ACMG Guidelines, 2015. Collection method: clinical testing. Allele origin: germline.
Comment: This missense variant replaces asparagine with aspartic acid at codon 2282 of the ATM protein. Computational prediction suggests that this variant may not impact protein structure and function (internally defined REVEL score threshold <= 0.5, PMID: 27666373). Splice site prediction tools suggest that this variant may not impact RNA splicing. To our knowledge, functional studies have not been performed for this variant. This variant has not been reported in individuals affected with hereditary cancer in the literature. This variant has been identified in 1/251170 chromosomes in the general population by the Genome Aggregation Database (gnomAD). The available evidence is insufficient to determine the role of this variant in disease conclusively. Therefore, this variant is classified as a Variant of Uncertain Significance.

Natera, Inc.
Classification: Uncertain significance for Ataxia-telangiectasia. Last evaluated: 2021-01-12. Review status: no assertion criteria provided. Collection method: clinical testing. Allele origin: germline. Not counted in ClinVar's aggregate classification.